The following is an entry in ClinVar:

ClinVar aggregate classification (germline): Likely benign. Review status: criteria provided, multiple submitters, no conflicts (2 of 4 stars). 3 submissions from 3 submitters: Likely benign (3). Last evaluated 2024-05-07.

Conditions:
Ataxia-telangiectasia syndrome (AT). Also called: ATAXIA-TELANGIECTASIA, FRESNO VARIANT; AT, COMPLEMENTATION GROUP C; LOUIS-BAR SYNDROME; Ataxia telangiectasia (A-T); Cerebello-oculocutaneous telangiectasia; Immunodeficiency with ataxia telangiectasia. Identifiers: Orphanet 100, MedGen C0004135, MONDO:0008840, OMIM 208900.
Hereditary cancer-predisposing syndrome. Also called: Hereditary neoplastic syndrome; Hereditary Cancer Syndrome; Neoplastic Syndromes, Hereditary; Tumor predisposition. Identifiers: Orphanet 140162, MedGen C0027672, MeSH D009386, MONDO:0015356.
Familial cancer of breast. Also called: hereditary breast carcinoma; Hereditary breast cancer; BREAST CANCER, FAMILIAL. Identifiers: Orphanet 227535, MedGen C0346153, MONDO:0016419, OMIM 114480. Disease mechanism: loss of function.

Submissions (3):

Myriad Genetics, Inc.
Classification: Likely benign for Familial cancer of breast. Last evaluated: 2024-05-07. Review status: criteria provided, single submitter. Criteria: Myriad Autosomal Dominant, Autosomal Recessive and X-Linked Classification Criteria (2023). Collection method: clinical testing. Allele origin: unknown.
Comment: This variant is considered likely benign. This variant is intronic and is not expected to impact mRNA splicing.

Color Diagnostics, LLC DBA Color Health
Classification: Likely benign for Hereditary cancer-predisposing syndrome. Last evaluated: 2023-12-11. Review status: criteria provided, single submitter. Criteria: ACMG Guidelines, 2015. Collection method: clinical testing. Allele origin: germline.

Labcorp Genetics (formerly Invitae), Labcorp
Classification: Likely benign for Ataxia-telangiectasia syndrome. Last evaluated: 2023-10-14. Review status: criteria provided, single submitter. Criteria: Invitae Variant Classification Sherloc (09022015). Collection method: clinical testing. Allele origin: germline.

NM_000051.4(ATM):c.2125-4dup

Gene: ATM (ATM serine/threonine kinase; plus strand). Cytogenetic location: 11q22.3.
Variant type: Duplication.
Coding change: c.2125-4dup on transcript NM_000051.4 (MANE Select); 4 bases into the intron before coding-DNA position 2125, one base duplicated (T; older notation c.2125-4dupT).
Molecular consequence: intron variant.
Genome position (GRCh38, 1-based): chr11:108,256,211, T duplicated; the last of 3 consecutive T bases (chr11:108,256,209-108,256,211); duplicating any one gives the same sequence. VCF-style (leftmost placement, unchanged base first): chr11-108256208-C-CT. GRCh37 (hg19) VCF-style: chr11-108126935-C-CT.
Other names: c.2125-4dup (NM_001351834.2).
Identifiers: ClinVar variation 1603799 (VCV001603799.11), dbSNP rs2135391852, ClinGen allele CA2573146395.